The following is an entry in ClinVar:

NM_003000.3(SDHB):c.110C>A (p.Pro37His)

Gene: SDHB (succinate dehydrogenase complex iron sulfur subunit B; minus strand). Cytogenetic location: 1p36.13.
Variant type: single nucleotide variant.
Coding change: c.110C>A on transcript NM_003000.3 (MANE Select); coding-DNA position 110, C replaced by A.
Protein change: p.Pro37His; replaces proline 37 with histidine.
Molecular consequence: missense variant.
Genome position (GRCh38, 1-based): chr1:17,044,851, G>T on the plus strand (C>A on the coding strand, the complement: SDHB is on the minus strand). VCF-style: chr1-17044851-G-T. GRCh37 (hg19) VCF-style: chr1-17371346-G-T.
Other names: c.110C>A, p.Pro37His (NM_001407361.1); short protein forms P37H.
Identifiers: ClinVar variation 3316885 (VCV003316885.1).

ClinVar aggregate classification (germline): Uncertain significance (1 of 4 stars; one submission).

Conditions:
Hereditary cancer-predisposing syndrome. Also called: Neoplastic Syndromes, Hereditary; Tumor predisposition; Hereditary neoplastic syndrome; Hereditary Cancer Syndrome. Identifiers: Orphanet 140162, MedGen C0027672, MeSH D009386, MONDO:0015356.

Submission:

Ambry Genetics
Classification: Uncertain significance for Hereditary cancer-predisposing syndrome. Last evaluated: 2024-03-15. Review status: criteria provided, single submitter. Criteria: Ambry Variant Classification Scheme 2023. Collection method: clinical testing. Allele origin: germline.
Comment: The p.P37H variant (also known as c.110C>A), located in coding exon 2 of the SDHB gene, results from a C to A substitution at nucleotide position 110. The proline at codon 37 is replaced by histidine, an amino acid with similar properties. This amino acid position is highly conserved in available vertebrate species. In addition, this alteration is predicted to be deleterious by in silico analysis. Based on the available evidence, the clinical significance of this alteration remains unclear.